The following is an entry in ClinVar:

NM_012318.3(LETM1):c.340G>C (p.Val114Leu)

Gene: LETM1 (leucine zipper and EF-hand containing transmembrane protein 1; minus strand). Cytogenetic location: 4p16.3.
Variant type: single nucleotide variant.
Coding change: c.340G>C on transcript NM_012318.3 (MANE Select); coding-DNA position 340, G replaced by C.
Protein change: p.Val114Leu; replaces valine 114 with leucine.
Molecular consequence: missense variant.
Genome position (GRCh38, 1-based): chr4:1,841,601, C>G on the plus strand (G>C on the coding strand, the complement: LETM1 is on the minus strand). VCF-style: chr4-1841601-C-G. GRCh37 (hg19) VCF-style: chr4-1843328-C-G.
Other names: short protein forms V114L.
Identifiers: ClinVar variation 1443624 (VCV001443624.4), dbSNP rs758109935, ClinGen allele CA2811658.

ClinVar aggregate classification (germline): Uncertain significance (1 of 4 stars; one submission).

Allele frequency attached by ClinVar (database versions not stated): gnomAD 0.00001; TOPMed 0.00006; ExAC 0.00007; gnomAD exomes 0.00011.
gnomAD v4.1: 32 of 1,614,096 alleles (0.002%); highest among the groups gnomAD compares: Admixed American, 0.053%; no homozygotes.

Submission:

Labcorp Genetics (formerly Invitae), Labcorp
Classification: Uncertain significance. Last evaluated: 2024-01-22. Review status: criteria provided, single submitter. Criteria: Invitae Variant Classification Sherloc (09022015). Collection method: clinical testing. Allele origin: germline.
Comment: This sequence change replaces valine, which is neutral and non-polar, with leucine, which is neutral and non-polar, at codon 114 of the LETM1 protein (p.Val114Leu). This variant is present in population databases (rs758109935, gnomAD 0.08%). This variant has not been reported in the literature in individuals affected with LETM1-related conditions. ClinVar contains an entry for this variant (Variation ID: 1443624). Algorithms developed to predict the effect of missense changes on protein structure and function output the following: SIFT: "Not Available"; PolyPhen-2: "Benign"; Align-GVGD: "Not Available". The leucine amino acid residue is found in multiple mammalian species, which suggests that this missense change does not adversely affect protein function. In summary, the available evidence is currently insufficient to determine the role of this variant in disease. Therefore, it has been classified as a Variant of Uncertain Significance.